The following is an entry in ClinVar:

ClinVar aggregate classification (germline): Uncertain significance. Review status: criteria provided, multiple submitters, no conflicts (2 of 4 stars). 2 submissions from 2 submitters: Uncertain significance (2). Last evaluated 2024-01-23.

Conditions:
Inborn genetic diseases. Identifiers: MedGen C0950123, MeSH D030342.
MHC class II deficiency. Also called: Bare lymphocyte syndrome 2; BLS, TYPE II. Identifiers: Orphanet 572, MedGen C5447452, MONDO:0008855.

Allele frequency attached by ClinVar (database versions not stated): ExAC 0.00003; TOPMed 0.00006; gnomAD 0.00009.
gnomAD v4.1: 50 of 1,614,036 alleles (0.0031%); highest among the groups gnomAD compares: African/African-American, 0.021%; no homozygotes.

Submissions (2):

Ambry Genetics
Classification: Uncertain significance for Inborn genetic diseases. Last evaluated: 2024-01-23. Review status: criteria provided, single submitter. Criteria: Ambry Variant Classification Scheme 2023. Collection method: clinical testing. Allele origin: germline.

Labcorp Genetics (formerly Invitae), Labcorp
Classification: Uncertain significance for MHC class II deficiency. Last evaluated: 2021-08-27. Review status: criteria provided, single submitter. Criteria: Invitae Variant Classification Sherloc (09022015). Collection method: clinical testing. Allele origin: germline.
Comment: This sequence change replaces alanine with threonine at codon 767 of the CIITA protein (p.Ala767Thr). The alanine residue is moderately conserved and there is a small physicochemical difference between alanine and threonine. This variant is present in population databases (rs770764866, ExAC 0.02%). This variant has not been reported in the literature in individuals affected with CIITA-related conditions. Algorithms developed to predict the effect of missense changes on protein structure and function output the following: SIFT: "Tolerated"; PolyPhen-2: "Benign"; Align-GVGD: "Class C0". The threonine amino acid residue is found in multiple mammalian species, which suggests that this missense change does not adversely affect protein function. In summary, the available evidence is currently insufficient to determine the role of this variant in disease. Therefore, it has been classified as a Variant of Uncertain Significance.

NM_000246.4(CIITA):c.2299G>A (p.Ala767Thr)

Gene: CIITA (class II major histocompatibility complex transactivator; plus strand). Cytogenetic location: 16p13.13.
Variant type: single nucleotide variant.
Coding change: c.2299G>A on transcript NM_000246.4 (MANE Select); coding-DNA position 2299, G replaced by A.
Protein change: p.Ala767Thr; replaces alanine 767 with threonine.
Molecular consequence: missense variant. On other transcripts: intron variant (1).
Genome position (GRCh38, 1-based): chr16:10,907,791, G>A. VCF-style: chr16-10907791-G-A. GRCh37 (hg19) VCF-style: chr16-11001648-G-A.
Other names: c.2302G>A, p.Ala768Thr (NM_001286402.1, NM_001379332.1); c.2155G>A, p.Ala719Thr (NM_001379330.1); c.2152G>A, p.Ala718Thr (NM_001379331.1); c.2299G>A, p.Ala767Thr (NM_001379333.1); c.2230G>A, p.Ala744Thr (NM_001379334.1); c.860-1192G>A (NM_001286403.2); short protein forms A719T, A718T, A744T, A768T, A767T.
Identifiers: ClinVar variation 2200424 (VCV002200424.2), dbSNP rs770764866, ClinGen allele CA7900340.